The following is an entry in ClinVar:

NM_001148.6(ANK2):c.11407A>G (p.Thr3803Ala)

Gene: ANK2 (ankyrin 2; plus strand). Cytogenetic location: 4q26.
Variant type: single nucleotide variant.
Coding change: c.11407A>G on transcript NM_001148.6 (MANE Select); coding-DNA position 11407, A replaced by G.
Protein change: p.Thr3803Ala; replaces threonine 3803 with alanine.
Molecular consequence: missense variant.
Genome position (GRCh38, 1-based): chr4:113,369,602, A>G. VCF-style: chr4-113369602-A-G. GRCh37 (hg19) VCF-style: chr4-114290758-A-G.
Other names: c.5125A>G, p.Thr1709Ala (NM_001127493.3); c.5164A>G, p.Thr1722Ala (NM_001354225.2); c.5053A>G, p.Thr1685Ala (NM_001354228.2, NM_001354258.2); c.5131A>G, p.Thr1711Ala (NM_001354230.2); c.5194A>G, p.Thr1732Ala (NM_001354231.2, NM_001354242.2); c.5188A>G, p.Thr1730Ala (NM_001354232.2); c.5149A>G, p.Thr1717Ala (NM_001354235.2, NM_001354246.2, NM_001354265.2); c.5050A>G, p.Thr1684Ala (NM_001354236.2); and 35 more; short protein forms T1557A, T1590A, T1618A, T1623A, T1631A, T1640A, T1643A, T1645A.
Identifiers: ClinVar variation 4690138 (VCV004690138.1).

ClinVar aggregate classification (germline): Uncertain significance (1 of 4 stars; one submission).

Submission:

GeneDx
Classification: Uncertain significance. Last evaluated: 2025-08-02. Review status: criteria provided, single submitter. Criteria: GeneDx Variant Classification Process June 2021. Collection method: clinical testing. Allele origin: germline. Affected: yes.
Comment: Not observed at significant frequency in large population cohorts (gnomAD); In silico analysis suggests that this missense variant does not alter protein structure/function; Has not been previously published as pathogenic or benign to our knowledge